The following is an entry in ClinVar:

NM_001365276.2(TNXB):c.886G>C (p.Val296Leu)

Gene: TNXB (tenascin XB; minus strand). Cytogenetic location: 6p21.33.
Variant type: single nucleotide variant.
Coding change: c.886G>C on transcript NM_001365276.2 (MANE Select); coding-DNA position 886, G replaced by C.
Protein change: p.Val296Leu; replaces valine 296 with leucine.
Molecular consequence: missense variant.
Genome position (GRCh38, 1-based): chr6:32,096,967, C>G on the plus strand (G>C on the coding strand, the complement: TNXB is on the minus strand). VCF-style: chr6-32096967-C-G. GRCh37 (hg19) VCF-style: chr6-32064744-C-G.
Other names: c.886G>C, p.Val296Leu (NM_019105.8); short protein forms V296L.
Identifiers: ClinVar variation 1764944 (VCV001764944.2), dbSNP rs752073445, ClinGen allele CA3735770.

ClinVar aggregate classification (germline): Uncertain significance (1 of 4 stars; one submission).

Conditions:
Cardiovascular phenotype. Identifiers: MedGen CN230736.

Allele frequency attached by ClinVar (database versions not stated): ExAC 0.00001.
gnomAD v4.1: 1 of 1,605,900 alleles (0.000062%); highest among the groups gnomAD compares: East Asian, 0.0022%; no homozygotes.

Submission:

Ambry Genetics
Classification: Uncertain significance for Cardiovascular phenotype. Last evaluated: 2021-10-11. Review status: criteria provided, single submitter. Criteria: Ambry Variant Classification Scheme 2023. Collection method: clinical testing. Allele origin: germline.
Comment: The p.V296L variant (also known as c.886G>C), located in coding exon 2 of the TNXB gene, results from a G to C substitution at nucleotide position 886. The valine at codon 296 is replaced by leucine, an amino acid with highly similar properties. This amino acid position is conserved. In addition, this alteration is predicted to be tolerated by in silico analysis. Since supporting evidence is limited at this time, the clinical significance of this alteration remains unclear.